The following is an entry in ClinVar:

ClinVar aggregate classification (germline): Benign/Likely benign. Review status: criteria provided, multiple submitters, no conflicts (2 of 4 stars). 5 submissions from 5 submitters: Benign (1); Likely benign (4). Last evaluated 2026-02-03.

Conditions:
Juvenile polyposis syndrome (JPS). Identifiers: Orphanet 2929, MedGen C0345893, MONDO:0017380, OMIM 174900.
Polyposis syndrome, hereditary mixed, 2. Identifiers: Orphanet 157794, MedGen C1864730, MONDO:0012405, OMIM 610069.
Hereditary cancer-predisposing syndrome. Also called: Hereditary Cancer Syndrome; Hereditary neoplastic syndrome; Neoplastic Syndromes, Hereditary; Tumor predisposition. Identifiers: Orphanet 140162, MedGen C0027672, MeSH D009386, MONDO:0015356.
Generalized juvenile polyposis/juvenile polyposis coli. Also called: Juvenile polyposis coli. Identifiers: Orphanet 329971, MedGen C1868081, MONDO:0008276.

Allele frequency attached by ClinVar (database versions not stated): gnomAD exomes 0.00007 and 0.00038; ExAC 0.00010; gnomAD 0.00010; TOPMed 0.00012; ESP Exome Variant Server 0.00038.
gnomAD v4.1: 555 of 1,611,692 alleles (0.034%); highest among the groups gnomAD compares: Non-Finnish European, 0.046%; 1 homozygote.

Submissions (5):

Labcorp Genetics (formerly Invitae), Labcorp
Classification: Likely benign for Juvenile polyposis syndrome. Last evaluated: 2026-02-03. Review status: criteria provided, single submitter. Criteria: Invitae Variant Classification Sherloc (09022015). Collection method: clinical testing. Allele origin: germline.

Department of Pathology and Laboratory Medicine, Sinai Health System
Classification: Likely benign for Juvenile polyposis syndrome; Polyposis syndrome, hereditary mixed, 2. Last evaluated: 2023-11-06. Review status: criteria provided, single submitter. Criteria: ACMG Guidelines, 2015. Collection method: clinical testing. Allele origin: germline. Affected: yes.

Illumina Laboratory Services, Illumina
Classification: Likely benign for Juvenile polyposis syndrome. Last evaluated: 2018-01-13. Review status: criteria provided, single submitter. Criteria: ICSL Variant Classification Criteria 13 December 2019. Collection method: clinical testing. Allele origin: germline.
Comment: This variant was observed in the ICSL laboratory as part of a predisposition screen in an ostensibly healthy population. It had not been previously curated by ICSL or reported in the Human Gene Mutation Database (HGMD: prior to June 1st, 2018), and was therefore a candidate for classification through an automated scoring system. Utilizing variant allele frequency, disease prevalence and penetrance estimates, and inheritance mode, an automated score was calculated to assess if this variant is too frequent to cause the disease. Based on the score and internal cut-off values, a variant classified as likely benign is not then subjected to further curation. The score for this variant resulted in a classification of likely benign for this disease.

Color Diagnostics, LLC DBA Color Health
Classification: Likely benign for Hereditary cancer-predisposing syndrome. Last evaluated: 2016-03-21. Review status: criteria provided, single submitter. Criteria: ACMG Guidelines, 2015. Collection method: clinical testing. Allele origin: germline.

GeneDx
Classification: Benign. Last evaluated: 2015-07-01. Review status: criteria provided, single submitter. Criteria: GeneDx Variant Classification (06012015). Collection method: clinical testing. Allele origin: germline. Affected: yes.
Comment: This variant is considered likely benign or benign based on one or more of the following criteria: it is a conservative change, it occurs at a poorly conserved position in the protein, it is predicted to be benign by multiple in silico algorithms, and/or has population frequency not consistent with disease.

NM_004329.3(BMPR1A):c.530+13T>G

Gene: BMPR1A (bone morphogenetic protein receptor type 1A; plus strand). Cytogenetic location: 10q23.2.
Variant type: single nucleotide variant.
Coding change: c.530+13T>G on transcript NM_004329.3 (MANE Select); 13 bases into the intron after coding-DNA position 530, T replaced by G.
Molecular consequence: intron variant.
Genome position (GRCh38, 1-based): chr10:86,900,139, T>G. VCF-style: chr10-86900139-T-G. GRCh37 (hg19) VCF-style: chr10-88659896-T-G.
Identifiers: ClinVar variation 301351 (VCV000301351.15), dbSNP rs367550999, ClinGen allele CA5585538.